The following is an entry in ClinVar:

NM_001376.5(DYNC1H1):c.107A>G (p.Lys36Arg)

Gene: DYNC1H1 (dynein cytoplasmic 1 heavy chain 1; plus strand). Cytogenetic location: 14q32.31.
Variant type: single nucleotide variant.
Coding change: c.107A>G on transcript NM_001376.5 (MANE Select); coding-DNA position 107, A replaced by G.
Protein change: p.Lys36Arg; replaces lysine 36 with arginine.
Molecular consequence: missense variant.
Genome position (GRCh38, 1-based): chr14:101,964,798, A>G. VCF-style: chr14-101964798-A-G. GRCh37 (hg19) VCF-style: chr14-102431135-A-G.
Other names: short protein forms K36R.
Identifiers: ClinVar variation 1785886 (VCV001785886.2), dbSNP rs2047644702, ClinGen allele CA391003288.

ClinVar aggregate classification (germline): Uncertain significance (1 of 4 stars; one submission).

Conditions:
Inborn genetic diseases. Identifiers: MedGen C0950123, MeSH D030342.

Submission:

Ambry Genetics
Classification: Uncertain significance for Inborn genetic diseases. Last evaluated: 2018-04-20. Review status: criteria provided, single submitter. Criteria: Ambry Variant Classification Scheme 2023. Collection method: clinical testing. Allele origin: germline.
Comment: The p.K36R variant (also known as c.107A>G), located in coding exon 1 of the DYNC1H1 gene, results from an A to G substitution at nucleotide position 107. The lysine at codon 36 is replaced by arginine, an amino acid with highly similar properties. This amino acid position is well conserved in available vertebrate species; however, arginine is the reference amino acid in other vertebrate species. In addition, this alteration is predicted to be tolerated by in silico analysis. Since supporting evidence is limited at this time, the clinical significance of this alteration remains unclear.